The following is an entry in ClinVar:

ClinVar aggregate classification (germline): Uncertain significance. Review status: criteria provided, multiple submitters, no conflicts (2 of 4 stars). 2 submissions from 2 submitters: Uncertain significance (2). Last evaluated 2025-09-29.

Allele frequency attached by ClinVar (database versions not stated): TOPMed 0.00002; gnomAD 0.00001.
gnomAD v4.1: 18 of 1,613,338 alleles (0.0011%); highest among the groups gnomAD compares: East Asian, 0.0089%; no homozygotes.

Submissions (2):

Labcorp Genetics (formerly Invitae), Labcorp
Classification: Uncertain significance. Last evaluated: 2025-09-29. Review status: criteria provided, single submitter. Criteria: Invitae Variant Classification Sherloc (09022015). Collection method: clinical testing. Allele origin: germline.
Comment: This sequence change replaces glutamic acid, which is acidic and polar, with valine, which is neutral and non-polar, at codon 675 of the NIN protein (p.Glu675Val). This variant is present in population databases (rs369112110, gnomAD 0.006%). This variant has not been reported in the literature in individuals affected with NIN-related conditions. ClinVar contains an entry for this variant (Variation ID: 2379891). An algorithm developed to predict the effect of missense changes on protein structure and function (PolyPhen-2) suggests that this variant is likely to be disruptive. In summary, the available evidence is currently insufficient to determine the role of this variant in disease. Therefore, it has been classified as a Variant of Uncertain Significance.

Ambry Genetics
Classification: Uncertain significance. Last evaluated: 2025-05-21. Review status: criteria provided, single submitter. Criteria: Ambry Variant Classification Scheme 2023. Collection method: clinical testing. Allele origin: germline.

NM_020921.4(NIN):c.2024A>T (p.Glu675Val)

Genes: NIN (ninein; minus strand), LOC130055602 (ATAC-STARR-seq lymphoblastoid active region 8362; plus strand). Cytogenetic location: 14q22.1.
Variant type: single nucleotide variant.
Coding change: c.2024A>T on transcript NM_020921.4 (MANE Select); coding-DNA position 2024, A replaced by T.
Protein change: p.Glu675Val; replaces glutamic acid 675 with valine.
Molecular consequence: missense variant.
Genome position (GRCh38, 1-based): chr14:50,760,232, T>A on the plus strand (A>T on the coding strand, the complement: NIN is on the minus strand). VCF-style: chr14-50760232-T-A. GRCh37 (hg19) VCF-style: chr14-51226950-T-A.
Other names: c.2024A>T, p.Glu675Val (NM_016350.5, NM_182944.3, NM_182946.2); short protein forms E675V.
Identifiers: ClinVar variation 2379891 (VCV002379891.6), dbSNP rs369112110, ClinGen allele CA260832742.